The following is an entry in ClinVar:

ClinVar aggregate classification (germline): Pathogenic (1 of 4 stars; one submission).

Conditions:
Hereditary cancer-predisposing syndrome. Also called: Tumor predisposition; Hereditary neoplastic syndrome; Neoplastic Syndromes, Hereditary; Hereditary Cancer Syndrome. Identifiers: Orphanet 140162, MedGen C0027672, MeSH D009386, MONDO:0015356.

Submission:

Labcorp Genetics (formerly Invitae), Labcorp
Classification: Pathogenic for Hereditary cancer-predisposing syndrome. Last evaluated: 2025-08-02. Review status: criteria provided, single submitter. Criteria: Invitae Variant Classification Sherloc (09022015). Collection method: clinical testing. Allele origin: germline.
Comment: This sequence change creates a premature translational stop signal (p.Ile371Phefs*8) in the RAD50 gene. It is expected to result in an absent or disrupted protein product. Loss-of-function variants in RAD50 are known to be pathogenic (PMID: 19409520). This variant is not present in population databases (gnomAD no frequency). This premature translational stop signal has been observed in individual(s) with breast cancer (PMID: 30630526). ClinVar contains an entry for this variant (Variation ID: 958282). For these reasons, this variant has been classified as Pathogenic.

Literature cited by the submitters: PubMed 19409520; PubMed 30630526.

NM_005732.4(RAD50):c.1111del (p.Ile371fs)

Gene: RAD50 (RAD50 double strand break repair protein; plus strand). Cytogenetic location: 5q31.1.
Variant type: Deletion.
Coding change: c.1111del on transcript NM_005732.4 (MANE Select); coding-DNA position 1111, one base deleted (A; older notation c.1111delA).
Protein change: p.Ile371fs; shifts the reading frame from isoleucine 371.
Molecular consequence: frameshift variant.
Genome position (GRCh38, 1-based): chr5:132,588,746, A deleted; the last of 2 consecutive A bases (chr5:132,588,745-132,588,746); deleting either gives the same sequence. VCF-style (leftmost placement, unchanged base first): chr5-132588744-TA-T. GRCh37 (hg19) VCF-style: chr5-131924436-TA-T.
Other names: short protein forms I371fs.
Identifiers: ClinVar variation 958282 (VCV000958282.8), dbSNP rs1750642516, ClinGen allele CA1139659056.